The following is an entry in ClinVar:

NM_001244008.2(KIF1A):c.4021T>C (p.Phe1341Leu)

Gene: KIF1A (kinesin family member 1A; minus strand). Cytogenetic location: 2q37.3.
Variant type: single nucleotide variant.
Coding change: c.4021T>C on transcript NM_001244008.2 (MANE Select); coding-DNA position 4021, T replaced by C.
Protein change: p.Phe1341Leu; replaces phenylalanine 1341 with leucine.
Molecular consequence: missense variant.
Genome position (GRCh38, 1-based): chr2:240,726,927, A>G on the plus strand (T>C on the coding strand, the complement: KIF1A is on the minus strand). VCF-style: chr2-240726927-A-G. GRCh37 (hg19) VCF-style: chr2-241666344-A-G.
Other names: c.3745T>C, p.Phe1249Leu (NM_001320705.2, NM_001379649.1); c.3772T>C, p.Phe1258Leu (NM_001330289.2); c.3820T>C, p.Phe1274Leu (NM_001330290.2, NM_001379648.1); c.4096T>C, p.Phe1366Leu (NM_001379631.1); c.3997T>C, p.Phe1333Leu (NM_001379632.1); c.3994T>C, p.Phe1332Leu (NM_001379633.1, NM_001379645.1); c.3847T>C, p.Phe1283Leu (NM_001379634.1); c.3844T>C, p.Phe1282Leu (NM_001379635.1, NM_001379646.1); and 7 more; short protein forms F1341L, F1240L, F1249L, F1258L, F1274L, F1239L, F1248L, F1257L.
Identifiers: ClinVar variation 574865 (VCV000574865.11), dbSNP rs1559480429, ClinGen allele CA351309775.
Genomic context (GRCh38, chr2:240,726,927, plus strand): 5'-AAGGGGTGACCCGGTTCAGCAGGAGAGAGTTGTGCATGGAGCTGTCCCACGCAGCCTCAA[A>G]TTGGTAAAAGGTCCTGAAAGGAAGCAGAGACAAAGTAGAAGTTGATGGCGTGGGGGCTGC-3'
Protein context (NP_001230937.1, residues 1331-1351): PAQDDRTFYQ[Phe1341Leu]EAAWDSSMHN

ClinVar aggregate classification (germline): Uncertain significance. Review status: criteria provided, multiple submitters, no conflicts (2 of 4 stars). 2 submissions from 2 submitters: Uncertain significance (2). Last evaluated 2022-01-19.

Conditions:
Inborn genetic diseases. Identifiers: MedGen C0950123, MeSH D030342.
Neuropathy, hereditary sensory, type 2C. Also called: KIF1A-Related HSAN2 (HSAN2C); Hereditary sensory and autonomic neuropathy type IIC. Identifiers: Orphanet 970, MedGen C3280168, MONDO:0013634, OMIM 614213.
Intellectual disability, autosomal dominant 9 (NESCAVS). Also called: NESCAV SYNDROME; KIF1A-Related Neurodevelopmental Disorder. Identifiers: Orphanet 662367, MedGen C5393830, MONDO:0013656, OMIM 614255.
Hereditary spastic paraplegia 30. Identifiers: Orphanet 101010, MedGen C5235139, MONDO:0012476.

Allele frequency attached by ClinVar (database versions not stated): gnomAD exomes below 0.00001.
gnomAD v4.1: 6 of 1,606,072 alleles (0.00037%); highest among the groups gnomAD compares: South Asian, 0.0011%; no homozygotes.

Submissions (2):

Ambry Genetics
Classification: Uncertain significance for Inborn genetic diseases. Last evaluated: 2022-01-19. Review status: criteria provided, single submitter. Criteria: Ambry Variant Classification Scheme 2023. Collection method: clinical testing. Allele origin: germline.
Comment: The p.F1341L variant (also known as c.4021T>C), located in coding exon 38 of the KIF1A gene, results from a T to C substitution at nucleotide position 4021. The phenylalanine at codon 1341 is replaced by leucine, an amino acid with highly similar properties. This amino acid position is highly conserved in available vertebrate species. In addition, the in silico prediction for this alteration is inconclusive. Since supporting evidence is limited at this time, the clinical significance of this alteration remains unclear.

Labcorp Genetics (formerly Invitae), Labcorp
Classification: Uncertain significance for Hereditary spastic paraplegia 30; Neuropathy, hereditary sensory, type 2C; Intellectual disability, autosomal dominant 9. Last evaluated: 2018-03-01. Review status: criteria provided, single submitter. Criteria: Invitae Variant Classification Sherloc (09022015). Collection method: clinical testing. Allele origin: germline.
Comment: In summary, the available evidence is currently insufficient to determine the role of this variant in disease. Therefore, it has been classified as a Variant of Uncertain Significance. Algorithms developed to predict the effect of missense changes on protein structure and function do not agree on the potential impact of this missense change (SIFT: "Deleterious"; PolyPhen-2: "Possibly Damaging"; Align-GVGD: "Class C0"). This variant has not been reported in the literature in individuals with KIF1A-related disease. This variant is not present in population databases (ExAC no frequency). This sequence change replaces phenylalanine with leucine at codon 1240 of the KIF1A protein (p.Phe1240Leu). The phenylalanine residue is highly conserved and there is a small physicochemical difference between phenylalanine and leucine.